The following is an entry in ClinVar:

NM_182922.4(HEATR3):c.1213G>A (p.Gly405Arg)

Gene: HEATR3 (HEAT repeat containing 3; plus strand). Cytogenetic location: 16q12.1.
Variant type: single nucleotide variant.
Coding change: c.1213G>A on transcript NM_182922.4 (MANE Select); coding-DNA position 1213, G replaced by A.
Protein change: p.Gly405Arg; replaces glycine 405 with arginine.
Molecular consequence: missense variant. On other transcripts: non-coding transcript variant (2).
Genome position (GRCh38, 1-based): chr16:50,084,214, G>A. VCF-style: chr16-50084214-G-A. GRCh37 (hg19) VCF-style: chr16-50118125-G-A.
Other names: c.862G>A, p.Gly288Arg (NM_001329729.2, NM_001329730.2); c.520G>A, p.Gly174Arg (NM_001329731.2); short protein forms G174R, G288R, G405R.
Identifiers: ClinVar variation 3257615 (VCV003257615.17).

ClinVar aggregate classification (germline): Benign (1 of 4 stars; one submission).

gnomAD v4.1: 12,378 of 1,614,068 alleles (0.77%); highest among the groups gnomAD compares: Middle Eastern, 4.2%; 85 homozygotes.

Submission:

CeGaT Center for Human Genetics Tuebingen
Classification: Benign. Last evaluated: 2026-08-01. Review status: criteria provided, single submitter. Criteria: CeGaT Center For Human Genetics Tuebingen Variant Classification Criteria Version 2. Collection method: clinical testing. Allele origin: germline. Affected: yes. Observed: 10 variant alleles.
Comment: HEATR3: BP4, BS1, BS2